The following is an entry in ClinVar:

ClinVar aggregate classification (germline): Uncertain significance (1 of 4 stars; one submission).

Conditions:
Charcot-Marie-Tooth disease type 2. Also called: Charcot-Marie-Tooth type 2. Identifiers: Orphanet 64746, MedGen C0270914, MONDO:0018993.

Submission:

Labcorp Genetics (formerly Invitae), Labcorp
Classification: Uncertain significance for Charcot-Marie-Tooth disease type 2. Last evaluated: 2021-10-27. Review status: criteria provided, single submitter. Criteria: Invitae Variant Classification Sherloc (09022015). Collection method: clinical testing. Allele origin: germline.
Comment: This sequence change replaces glutamic acid, which is acidic and polar, with aspartic acid, which is acidic and polar, at codon 658 of the MFN2 protein (p.Glu658Asp). This variant is not present in population databases (gnomAD no frequency). This missense change has been observed in individual(s) with autosomal dominant MFN2-related conditions (Invitae). Advanced modeling of protein sequence and biophysical properties (such as structural, functional, and spatial information, amino acid conservation, physicochemical variation, residue mobility, and thermodynamic stability) performed at Invitae indicates that this missense variant is expected to disrupt MFN2 protein function. In summary, the available evidence is currently insufficient to determine the role of this variant in disease. Therefore, it has been classified as a Variant of Uncertain Significance.

NM_014874.4(MFN2):c.1974G>C (p.Glu658Asp)

Gene: MFN2 (mitofusin 2; plus strand). Cytogenetic location: 1p36.22.
Variant type: single nucleotide variant.
Coding change: c.1974G>C on transcript NM_014874.4 (MANE Select); coding-DNA position 1974, G replaced by C.
Protein change: p.Glu658Asp; replaces glutamic acid 658 with aspartic acid.
Molecular consequence: missense variant.
Genome position (GRCh38, 1-based): chr1:12,007,154, G>C. VCF-style: chr1-12007154-G-C. GRCh37 (hg19) VCF-style: chr1-12067211-G-C.
Other names: c.1974G>C, p.Glu658Asp (NM_001127660.2); short protein forms E658D.
Identifiers: ClinVar variation 1495034 (VCV001495034.6), dbSNP rs2100858415, ClinGen allele CA338451269.